The following is an entry in ClinVar:

NM_001254.4(CDC6):c.587G>C (p.Gly196Ala)

Gene: CDC6 (cell division cycle 6; plus strand). Cytogenetic location: 17q21.2.
Variant type: single nucleotide variant.
Coding change: c.587G>C on transcript NM_001254.4 (MANE Select); coding-DNA position 587, G replaced by C.
Protein change: p.Gly196Ala; replaces glycine 196 with alanine.
Molecular consequence: missense variant.
Genome position (GRCh38, 1-based): chr17:40,291,595, G>C. VCF-style: chr17-40291595-G-C. GRCh37 (hg19) VCF-style: chr17-38447847-G-C.
Other names: short protein forms G196A.
Identifiers: ClinVar variation 4769949 (VCV004769949.1).

ClinVar aggregate classification (germline): Uncertain significance (1 of 4 stars; one submission).

gnomAD v4.1: 3 of 1,614,098 alleles (0.00019%); highest among the groups gnomAD compares: African/African-American, 0.0027%; no homozygotes.

Submission:

Labcorp Genetics (formerly Invitae), Labcorp
Classification: Uncertain significance. Last evaluated: 2025-09-16. Review status: criteria provided, single submitter. Criteria: Invitae Variant Classification Sherloc (09022015). Collection method: clinical testing. Allele origin: germline.
Comment: This sequence change replaces glycine, which is neutral and non-polar, with alanine, which is neutral and non-polar, at codon 196 of the CDC6 protein (p.Gly196Ala). This variant is present in population databases (no rsID available, gnomAD 0.003%). This variant has not been reported in the literature in individuals affected with CDC6-related conditions. An algorithm developed to predict the effect of missense changes on protein structure and function (PolyPhen-2) suggests that this variant is likely to be disruptive. In summary, the available evidence is currently insufficient to determine the role of this variant in disease. Therefore, it has been classified as a Variant of Uncertain Significance.